The following is an entry in ClinVar:

ClinVar aggregate classification (germline): Uncertain significance. Review status: criteria provided, multiple submitters, no conflicts (2 of 4 stars). 2 submissions from 2 submitters: Uncertain significance (2). Last evaluated 2025-05-29.

Conditions:
TET2-related disorder. Also called: TET2-related condition.

gnomAD v4.1: 2 of 1,613,996 alleles (0.00012%); highest among the groups gnomAD compares: Non-Finnish European, 0.00017%; no homozygotes.

Submissions (2):

PreventionGenetics, part of Exact Sciences
Classification: Uncertain significance for TET2-related condition. Last evaluated: 2025-05-29. Review status: criteria provided, single submitter. Criteria: ACMG Guidelines, 2015. Collection method: clinical testing. Allele origin: germline.
Comment: The TET2 c.1280A>G variant is predicted to result in the amino acid substitution p.Asn427Ser. To our knowledge, this variant has not been reported in the literature or in a large population database (gnomAD), indicating this variant is rare. At this time, the clinical significance of this variant is uncertain due to the absence of conclusive functional and genetic evidence.

Ambry Genetics
Classification: Uncertain significance. Last evaluated: 2025-03-17. Review status: criteria provided, single submitter. Criteria: Ambry Variant Classification Scheme 2023. Collection method: clinical testing. Allele origin: germline.
Comment: The p.N427S variant (also known as c.1280A>G), located in coding exon 1 of the TET2 gene, results from an A to G substitution at nucleotide position 1280. The asparagine at codon 427 is replaced by serine, an amino acid with highly similar properties. This amino acid position is conserved. In addition, this alteration is predicted to be tolerated by in silico analysis. Based on the available evidence, the clinical significance of this variant remains unclear.

NM_001127208.3(TET2):c.1280A>G (p.Asn427Ser)

Genes: TET2 (tet methylcytosine dioxygenase 2; plus strand), TET2-AS1 (TET2 antisense RNA 1; minus strand). Cytogenetic location: 4q24.
Variant type: single nucleotide variant.
Coding change: c.1280A>G on transcript NM_001127208.3 (MANE Select); coding-DNA position 1280, A replaced by G.
Protein change: p.Asn427Ser; replaces asparagine 427 with serine.
Molecular consequence: missense variant.
Genome position (GRCh38, 1-based): chr4:105,235,222, A>G. VCF-style: chr4-105235222-A-G. GRCh37 (hg19) VCF-style: chr4-106156379-A-G.
Other names: c.1280A>G, p.Asn427Ser (NM_017628.4); short protein forms N427S.
Identifiers: ClinVar variation 3967469 (VCV003967469.2).